The following is an entry in ClinVar:

ClinVar aggregate classification (germline): Benign/Likely benign. Review status: criteria provided, multiple submitters, no conflicts (2 of 4 stars). 6 submissions from 6 submitters: Benign (3); Likely benign (2). 1 of the submissions does not count toward it. Last evaluated 2025-10-02.

Conditions:
FYCO1-related disorder. Also called: FYCO1-related condition.
Cataract 18 (CATC2). Also called: CATARACT 18, AUTOSOMAL RECESSIVE. Identifiers: Orphanet 91492, Orphanet 98991, Orphanet 98992, Orphanet 98995, MedGen C1864908, MONDO:0012395, OMIM 610019.

Allele frequency attached by ClinVar (database versions not stated): gnomAD exomes 0.00147 and 0.00248; ExAC 0.00256; ESP Exome Variant Server 0.00415; 1000 Genomes Project 0.00439; 1000 Genomes Project 30x 0.00453; gnomAD 0.00488 and 0.00520; TOPMed 0.00592.
gnomAD v4.1: 3,032 of 1,614,140 alleles (0.19%); highest among the groups gnomAD compares: African/African-American, 1.3%; 20 homozygotes.

Submissions (6):

Labcorp Genetics (formerly Invitae), Labcorp
Classification: Benign for Cataract 18. Last evaluated: 2025-10-02. Review status: criteria provided, single submitter. Criteria: Invitae Variant Classification Sherloc (09022015). Collection method: clinical testing. Allele origin: germline.

CeGaT Center for Human Genetics Tuebingen
Classification: Benign. Last evaluated: 2025-03-01. Review status: criteria provided, single submitter. Criteria: CeGaT Center For Human Genetics Tuebingen Variant Classification Criteria Version 2. Collection method: clinical testing. Allele origin: germline. Affected: yes. Observed: 1 variant allele.
Comment: FYCO1: BP4, BP7, BS1, BS2

GeneDx
Classification: Likely benign. Last evaluated: 2020-08-13. Review status: criteria provided, single submitter. Criteria: GeneDx Variant Classification Process June 2021. Collection method: clinical testing. Allele origin: germline. Affected: yes.

Illumina Laboratory Services, Illumina
Classification: Benign for Cataract 18. Last evaluated: 2018-01-12. Review status: criteria provided, single submitter. Criteria: ICSL Variant Classification Criteria 13 December 2019. Collection method: clinical testing. Allele origin: germline.
Comment: This variant was observed in the ICSL laboratory as part of a predisposition screen in an ostensibly healthy population. It had not been previously curated by ICSL or reported in the Human Gene Mutation Database (HGMD: prior to June 1st, 2018), and was therefore a candidate for classification through an automated scoring system. Utilizing variant allele frequency, disease prevalence and penetrance estimates, and inheritance mode, an automated score was calculated to assess if this variant is too frequent to cause the disease. Based on the score and internal cut-off values, a variant classified as benign is not then subjected to further curation. The score for this variant resulted in a classification of benign for this disease.

Breakthrough Genomics
Classification: Likely benign. Review status: criteria provided, single submitter. Criteria: ACMG Guidelines, 2015. Collection method: not provided. Allele origin: germline. Inheritance: Autosomal recessive inheritance. Affected: yes.

PreventionGenetics, part of Exact Sciences
Classification: Benign for FYCO1-related condition. Last evaluated: 2019-06-17. Review status: no assertion criteria provided. Collection method: clinical testing. Allele origin: germline. Not counted in ClinVar's aggregate classification.
Comment: This variant is classified as benign based on ACMG/AMP sequence variant interpretation guidelines (Richards et al. 2015 PMID: 25741868, with internal and published modifications).

NM_024513.4(FYCO1):c.2718T>C (p.Ala906=)

Gene: FYCO1 (FYVE and coiled-coil domain autophagy adaptor 1; minus strand). Cytogenetic location: 3p21.31.
Variant type: single nucleotide variant.
Coding change: c.2718T>C on transcript NM_024513.4 (MANE Select); coding-DNA position 2718, T replaced by C.
Protein change: p.Ala906=; no amino-acid change (alanine 906 retained).
Molecular consequence: synonymous variant.
Genome position (GRCh38, 1-based): chr3:45,966,616, A>G on the plus strand (T>C on the coding strand, the complement: FYCO1 is on the minus strand). VCF-style: chr3-45966616-A-G. GRCh37 (hg19) VCF-style: chr3-46008108-A-G.
Identifiers: ClinVar variation 345508 (VCV000345508.26), dbSNP rs114548859, ClinGen allele CA2352982.